The following is an entry in ClinVar:

ClinVar aggregate classification (germline): Uncertain significance (1 of 4 stars; one submission).

Submission:

CeGaT Center for Human Genetics Tuebingen
Classification: Uncertain significance. Last evaluated: 2024-08-01. Review status: criteria provided, single submitter. Criteria: CeGaT Center For Human Genetics Tuebingen Variant Classification Criteria Version 2. Collection method: clinical testing. Allele origin: germline. Affected: yes. Observed: 1 variant allele.
Comment: WNK1: PM2, BP4

NM_018979.4(WNK1):c.5222C>T (p.Thr1741Ile)

Gene: WNK1 (WNK lysine deficient protein kinase 1; plus strand). Cytogenetic location: 12p13.33.
Variant type: single nucleotide variant.
Coding change: c.5222C>T on transcript NM_018979.4 (MANE Select); coding-DNA position 5222, C replaced by T.
Protein change: p.Thr1741Ile; replaces threonine 1741 with isoleucine.
Molecular consequence: missense variant.
Genome position (GRCh38, 1-based): chr12:886,026, C>T. VCF-style: chr12-886026-C-T. GRCh37 (hg19) VCF-style: chr12-995192-C-T.
Other names: c.6002C>T, p.Thr2001Ile (NM_001184985.2); c.4481C>T, p.Thr1494Ile (NM_014823.3); c.5978C>T, p.Thr1993Ile (NM_213655.5); short protein forms T1494I, T1741I, T1993I, T2001I.
Identifiers: ClinVar variation 3342217 (VCV003342217.16).
Genomic context (GRCh38, chr12:886,026, plus strand): 5'-TTGCTTTGCCAGTTACACCAGTGGTCACACCTGGGCAAGTTTCTACCCCAGTCAGCACTA[C>T]TACATCAGGAGTGAAACCTGGAACTGCTCCCTCCAAGCCACCTCTAACTAAGGCTCCGGT-3'
Protein context (NP_061852.3, residues 1731-1751): PGQVSTPVST[Thr1741Ile]TSGVKPGTAP